The following is an entry in ClinVar:

NM_002880.4(RAF1):c.834+614_834+618delinsTGTTAT

Gene: RAF1 (Raf-1 proto-oncogene, serine/threonine kinase; minus strand). Cytogenetic location: 3p25.2.
Variant type: Indel.
Coding change: c.834+614_834+618delinsTGTTAT on transcript NM_002880.4 (MANE Select); bases 614 to 618 of the intron after coding-DNA position 834, GCTTC replaced by TGTTAT.
Molecular consequence: intron variant. On other transcripts: frameshift variant (2).
Genome position (GRCh38, 1-based): chr3:12,603,518-12,603,522, GAAGC replaced by ATAACA on the plus strand (GCTTC replaced by TGTTAT on the coding strand, the reverse complement: RAF1 is on the minus strand). VCF-style: chr3-12603518-GAAGC-ATAACA. GRCh37 (hg19) VCF-style: chr3-12645017-GAAGC-ATAACA.
Other names: c.850_854delinsTGTTAT, p.Ala284fs (NM_001354689.3); c.607_611delinsTGTTAT, p.Ala203fs (NM_001354694.3); c.492+614_492+618delinsTGTTAT (NM_001354695.3); c.591+614_591+618delinsTGTTAT (NM_001354692.3, NM_001354691.3); c.735+614_735+618delinsTGTTAT (NM_001354693.3); c.834+614_834+618delinsTGTTAT (NM_001354690.3); short protein forms A203fs, A284fs.
Identifiers: ClinVar variation 2632665 (VCV002632665.1), dbSNP rs2470330270, ClinGen allele CA2695197761.
Genomic context (GRCh38, chr3:12,603,518, plus strand): 5'-GCATGAAGAAAAATACCTACTCTTCCCCTCAAACAAAATCGTCTGGACCACGCCCTGGGA[GAAGC>ATAACA]ACTCAGGTTGTTATTCTAGTCCAAAGCAATGAGAAATAAAGAAGAATAAAGAACAAAGGA-3'

ClinVar aggregate classification (germline): Uncertain significance (1 of 4 stars; one submission).

Conditions:
RAF1-related disorder. Also called: RAF1-related condition; RAF1-related disorders.

Submission:

PreventionGenetics, part of Exact Sciences
Classification: Uncertain significance for RAF1-related condition. Last evaluated: 2023-06-20. Review status: criteria provided, single submitter. Criteria: ACMG Guidelines, 2015. Collection method: clinical testing. Allele origin: germline.
Comment: The RAF1 c.850_854delinsTGTTAT variant is predicted to result in a frameshift and premature protein termination (p.Ala284Cysfs*33). To our knowledge, this variant has not been reported in the literature or in a large population database, indicating this variant is rare. In the primary transcript, this variant is located in a deep intronic region. The transcript with this variant in coding regions do not appear to be expressed according to GTEx data. Although we suspect that this variant may be benign, at this time, the clinical significance of this variant is uncertain due to the absence of conclusive functional and genetic evidence.